The following is an entry in ClinVar:

NM_001374736.1(DST):c.12680G>A (p.Arg4227His)

Gene: DST (dystonin; minus strand). Cytogenetic location: 6p12.1.
Variant type: single nucleotide variant.
Coding change: c.12680G>A on transcript NM_001374736.1 (MANE Select); coding-DNA position 12680, G replaced by A.
Protein change: p.Arg4227His; replaces arginine 4227 with histidine.
Molecular consequence: missense variant.
Genome position (GRCh38, 1-based): chr6:56,593,709, C>T on the plus strand (G>A on the coding strand, the complement: DST is on the minus strand). VCF-style: chr6-56593709-C-T. GRCh37 (hg19) VCF-style: chr6-56458507-C-T.
Other names: p.Arg1604His; c.6323G>A, p.Arg2108His (NM_001144769.5); c.5909G>A, p.Arg1970His (NM_001144770.2); c.12680G>A, p.Arg4227His (NM_001374722.1); c.12047G>A, p.Arg4016His (NM_001374729.1); c.5789G>A, p.Arg1930His (NM_001374730.1, NM_001386100.1, NM_183380.4); c.12707G>A, p.Arg4236His (NM_001374734.1); c.4811G>A, p.Arg1604His (NM_015548.5); short protein forms R1970H, R1604H, R1930H, R2108H, R4016H, R4227H, R4236H.
Identifiers: ClinVar variation 654866 (VCV000654866.13), dbSNP rs201346012, ClinGen allele CA3868421.

ClinVar aggregate classification (germline): Conflicting classifications of pathogenicity. Review status: criteria provided, conflicting classifications (1 of 4 stars). 6 submissions from 6 submitters: Uncertain significance (3); Likely benign (1). 2 of the submissions do not count toward it. Last evaluated 2024-01-04.

Conditions:
Hereditary sensory and autonomic neuropathy type 6. Also called: HSAN VI; Neuropathy, hereditary sensory and autonomic, type VI. Identifiers: Orphanet 314381, MedGen C3539003, MONDO:0013839, OMIM 614653.
Inborn genetic diseases. Identifiers: MedGen C0950123, MeSH D030342.
Epidermolysis bullosa simplex 3, localized or generalized intermediate, with BP230 deficiency (EBS3). Also called: Epidermolysis bullosa simplex due to BP230 deficiency; Epidermolysis bullosa simplex, autosomal recessive 2. Identifiers: Orphanet 412181, MedGen C3809470, MONDO:0014180, OMIM 615425.

Allele frequency attached by ClinVar (database versions not stated): ESP Exome Variant Server 0.00033; gnomAD 0.00033 and 0.00035; gnomAD exomes 0.00038; TOPMed 0.00034; ExAC 0.00045.
gnomAD v4.1: 657 of 1,612,004 alleles (0.041%); highest among the groups gnomAD compares: Non-Finnish European, 0.052%; 2 homozygotes.

Submissions (6):

Ambry Genetics
Classification: Likely benign for Inborn genetic diseases. Last evaluated: 2024-01-04. Review status: criteria provided, single submitter. Criteria: Ambry Variant Classification Scheme 2023. Collection method: clinical testing. Allele origin: germline.

Mayo Clinic Laboratories, Mayo Clinic
Classification: Uncertain significance. Last evaluated: 2023-05-12. Review status: criteria provided, single submitter. Criteria: ACMG Guidelines, 2015. Collection method: clinical testing. Allele origin: germline. Observed: 3 variant alleles.
Comment: BP4

Labcorp Genetics (formerly Invitae), Labcorp
Classification: Uncertain significance for Epidermolysis bullosa simplex 3, localized or generalized intermediate, with BP230 deficiency; Hereditary sensory and autonomic neuropathy type 6. Last evaluated: 2022-08-25. Review status: criteria provided, single submitter. Criteria: Invitae Variant Classification Sherloc (09022015). Collection method: clinical testing. Allele origin: germline.
Comment: The DST gene has multiple clinically relevant transcripts. This variant occurs in alternate transcript NM_015548.4, and corresponds to NM_001723.5:c.*21808G>A in the primary transcript. This sequence change replaces arginine, which is basic and polar, with histidine, which is basic and polar, at codon 1604 of the DST protein (p.Arg1604His). This variant is present in population databases (rs201346012, gnomAD 0.07%). This variant has not been reported in the literature in individuals affected with DST-related conditions. ClinVar contains an entry for this variant (Variation ID: 654866). Algorithms developed to predict the effect of missense changes on protein structure and function output the following: SIFT: "Not Available"; PolyPhen-2: "Not Available"; Align-GVGD: "Not Available". The histidine amino acid residue is found in multiple mammalian species, which suggests that this missense change does not adversely affect protein function. In summary, the available evidence is currently insufficient to determine the role of this variant in disease. Therefore, it has been classified as a Variant of Uncertain Significance.

Baylor Genetics
Classification: Uncertain significance for Hereditary sensory and autonomic neuropathy type 6. Last evaluated: 2018-01-25. Review status: criteria provided, single submitter. Criteria: ACMG Guidelines, 2015. Collection method: clinical testing. Allele origin: paternal. Affected: yes.
Comment: This variant was determined to be of uncertain significance according to ACMG Guidelines, 2015 [PMID:25741868].

Clinical Genetics DNA and cytogenetics Diagnostics Lab, Erasmus MC, Erasmus Medical Center
Classification: Uncertain significance. Review status: no assertion criteria provided. Collection method: clinical testing. Allele origin: germline. Affected: yes. Study: VKGL Data-share Consensus. Not counted in ClinVar's aggregate classification.

Clinical Genetics, Academic Medical Center
Classification: Uncertain significance. Review status: no assertion criteria provided. Collection method: clinical testing. Allele origin: germline. Affected: yes. Study: VKGL Data-share Consensus. Not counted in ClinVar's aggregate classification.